The following is an entry in ClinVar:

ClinVar aggregate classification (germline): Conflicting classifications of pathogenicity. Review status: criteria provided, conflicting classifications (1 of 4 stars). 2 submissions from 2 submitters: Uncertain significance (1); Likely benign (1). Last evaluated 2024-06-27.

Conditions:
Ataxia-telangiectasia syndrome (AT). Also called: LOUIS-BAR SYNDROME; Ataxia-telangiectasia, complementation group E; Ataxia-telangiectasia, complementation group D; AT, COMPLEMENTATION GROUP C; Ataxia telangiectasia (A-T); Cerebello-oculocutaneous telangiectasia. Identifiers: Orphanet 100, MedGen C0004135, MONDO:0008840, OMIM 208900.
Hereditary cancer-predisposing syndrome. Also called: Neoplastic Syndromes, Hereditary; Hereditary Cancer Syndrome; Hereditary neoplastic syndrome; Tumor predisposition. Identifiers: Orphanet 140162, MedGen C0027672, MeSH D009386, MONDO:0015356.

Allele frequency attached by ClinVar (database versions not stated): TOPMed below 0.00001.

Submissions (2):

Ambry Genetics
Classification: Uncertain significance for Hereditary cancer-predisposing syndrome. Last evaluated: 2024-06-27. Review status: criteria provided, single submitter. Criteria: Ambry Variant Classification Scheme 2023. Collection method: clinical testing. Allele origin: germline.
Comment: The c.497-5T>C intronic variant results from a T to C substitution 5 nucleotides upstream from coding exon 5 in the ATM gene. This nucleotide position is not well conserved in available vertebrate species. In silico splice site analysis for this alteration is inconclusive and direct evidence is insufficient at this time (Ambry internal data). Based on the available evidence, the clinical significance of this variant remains unclear.

Labcorp Genetics (formerly Invitae), Labcorp
Classification: Likely benign for Ataxia-telangiectasia syndrome. Last evaluated: 2021-12-09. Review status: criteria provided, single submitter. Criteria: Invitae Variant Classification Sherloc (09022015). Collection method: clinical testing. Allele origin: germline.

NM_000051.4(ATM):c.497-5T>C

Gene: ATM (ATM serine/threonine kinase; plus strand). Cytogenetic location: 11q22.3.
Variant type: single nucleotide variant.
Coding change: c.497-5T>C on transcript NM_000051.4 (MANE Select); 5 bases into the intron before coding-DNA position 497, T replaced by C.
Molecular consequence: intron variant.
Genome position (GRCh38, 1-based): chr11:108,243,948, T>C. VCF-style: chr11-108243948-T-C. GRCh37 (hg19) VCF-style: chr11-108114675-T-C.
Other names: c.497-5T>C (NM_001351834.2).
Identifiers: ClinVar variation 646431 (VCV000646431.8), dbSNP rs1591499452, ClinGen allele CA915947715.